The following is an entry in ClinVar:

NM_023110.3(FGFR1):c.2235_2238dup (p.Phe747fs)

Gene: FGFR1 (fibroblast growth factor receptor 1; minus strand). Cytogenetic location: 8p11.23.
Variant type: Duplication.
Coding change: c.2235_2238dup on transcript NM_023110.3 (MANE Select); coding-DNA positions 2235 to 2238, 4 bases duplicated (CACC; older notation c.2235_2238dupCACC).
Protein change: p.Phe747fs; shifts the reading frame from phenylalanine 747.
Molecular consequence: frameshift variant.
Genome position (GRCh38, 1-based): chr8:38,413,972-38,413,975, GGTG duplicated on the plus strand (CACC on the coding strand, the reverse complement: FGFR1 is on the minus strand); duplicating any 4 consecutive bases within chr8:38,413,972-38,413,978 gives the same sequence; the c. name uses the placement nearest the transcript's 3' end. VCF-style (leftmost placement, unchanged base first): chr8-38413971-A-AGGTG. GRCh37 (hg19) VCF-style: chr8-38271489-A-AGGTG.
Other names: c.2232_2235dup, p.Phe747Hisfs (NM_000604.2); c.2229_2232dup, p.Phe745fs (NM_001174063.2, NM_001174065.2, NM_001354367.2 and 1 more transcripts); c.2205_2208dup, p.Phe737fs (NM_001174064.2); c.1968_1971dup, p.Phe658fs (NM_001174066.2, NM_023105.3); c.2328_2331dup, p.Phe778fs (NM_001174067.2); c.1956_1959dup, p.Phe654fs (NM_001354368.2); c.2223_2226dup, p.Phe743fs (NM_001354369.2, NM_001410922.1); c.1962_1965dup, p.Phe656fs (NM_001354370.2, NM_023106.3); and 1 more; short protein forms F654fs, F656fs, F658fs, F737fs, F743fs, F745fs, F747fs, F778fs.
Identifiers: ClinVar variation 2505406 (VCV002505406.1), dbSNP rs2536775494, ClinGen allele CA2580614535.

ClinVar aggregate classification (germline): Likely pathogenic (1 of 4 stars; one submission).

Conditions:
Hypogonadotropic hypogonadism 2 with or without anosmia (HH2). Also called: FGFR1-Related GnRH Deficiency (Kallmann Syndrome 2); HYPOGONADOTROPIC HYPOGONADISM 2 WITHOUT ANOSMIA; HYPOGONADOTROPIC HYPOGONADISM 2 WITH OR WITHOUT ANOSMIA, SUSCEPTIBILITY TO; HYPOGONADOTROPIC HYPOGONADISM 2 WITHOUT ANOSMIA, SUSCEPTIBILITY TO. Identifiers: Orphanet 478, MedGen C1563720, MONDO:0007844, OMIM 147950. Disease mechanism: loss of function.

Submission:

Reproductive Endocrine Unit, Massachusetts General Hospital
Classification: Likely pathogenic for Hypogonadotropic hypogonadism 2 with or without anosmia. Last evaluated: 2023-05-04. Review status: criteria provided, single submitter. Criteria: ACMG Guidelines, 2015. Collection method: research. Allele origin: unknown. Affected: yes. Observed: 1 variant allele.
Comment: The variant NM_023110.2:c.2235_2238dup, p.(Phe747Hisfs*54) het has been classified as LP1 based on the variant meeting the following ACMG Criteria: PVS1,PM2.